The following is an entry in ClinVar:

ClinVar aggregate classification (germline): Likely benign. Review status: criteria provided, single submitter (1 of 4 stars). 2 submissions from 2 submitters: Likely benign (1). 1 of the submissions does not count toward it. Last evaluated 2025-08-08.

Conditions:
NBEA-related disorder. Also called: NBEA-related condition.

Allele frequency attached by ClinVar (database versions not stated): gnomAD exomes 0.00010; 1000 Genomes Project 0.00040; TOPMed 0.00081; gnomAD 0.00065; ESP Exome Variant Server 0.00066; ExAC 0.00021; 1000 Genomes Project 30x 0.00031.
gnomAD v4.1: 247 of 1,612,348 alleles (0.015%); highest among the groups gnomAD compares: African/African-American, 0.27%; no homozygotes.

Submissions (2):

Mayo Clinic Laboratories, Mayo Clinic
Classification: Likely benign. Last evaluated: 2025-08-08. Review status: criteria provided, single submitter. Criteria: ACMG Guidelines, 2015. Collection method: clinical testing. Allele origin: germline. Observed: 2 variant alleles.
Comment: BS1, BP4, PP2

PreventionGenetics, part of Exact Sciences
Classification: Likely benign for NBEA-related condition. Last evaluated: 2023-11-06. Review status: no assertion criteria provided. Collection method: clinical testing. Allele origin: germline. Not counted in ClinVar's aggregate classification.
Comment: This variant is classified as likely benign based on ACMG/AMP sequence variant interpretation guidelines (Richards et al. 2015 PMID: 25741868, with internal and published modifications).

NM_001385012.1(NBEA):c.6355A>G (p.Ile2119Val)

Gene: NBEA (neurobeachin; plus strand). Cytogenetic location: 13q13.3.
Variant type: single nucleotide variant.
Coding change: c.6355A>G on transcript NM_001385012.1 (MANE Select); coding-DNA position 6355, A replaced by G.
Protein change: p.Ile2119Val; replaces isoleucine 2119 with valine.
Molecular consequence: missense variant.
Genome position (GRCh38, 1-based): chr13:35,452,142, A>G. VCF-style: chr13-35452142-A-G. GRCh37 (hg19) VCF-style: chr13-36026279-A-G.
Other names: p.Ile2119Val; c.6346A>G, p.Ile2116Val (NM_001379245.1); c.6355A>G, p.Ile2119Val (NM_015678.5); short protein forms I2116V, I2119V.
Identifiers: ClinVar variation 3051508 (VCV003051508.3), dbSNP rs116559457, ClinGen allele CA6947303.